The following is an entry in ClinVar:

NM_006486.3(FBLN1):c.1146C>T (p.Cys382=)

Gene: FBLN1 (fibulin 1; plus strand). Cytogenetic location: 22q13.31.
Variant type: single nucleotide variant.
Coding change: c.1146C>T on transcript NM_006486.3 (MANE Select); coding-DNA position 1146, C replaced by T.
Protein change: p.Cys382=; no amino-acid change (cysteine 382 retained).
Molecular consequence: synonymous variant.
Genome position (GRCh38, 1-based): chr22:45,542,234, C>T. VCF-style: chr22-45542234-C-T. GRCh37 (hg19) VCF-style: chr22-45938114-C-T.
Other names: c.1146C>T, p.Cys382= (NM_001996.4, NM_006485.4, NM_006487.3).
Identifiers: ClinVar variation 3042407 (VCV003042407.3), dbSNP rs371901304, ClinGen allele CA10286832.

ClinVar aggregate classification (germline): Likely benign. Review status: criteria provided, single submitter (1 of 4 stars). 2 submissions from 2 submitters: Likely benign (1). 1 of the submissions does not count toward it. Last evaluated 2026-01-26.

Conditions:
FBLN1-related disorder. Also called: FBLN1-related condition.

Allele frequency attached by ClinVar (database versions not stated): TOPMed 0.00002; ExAC 0.00003; gnomAD 0.00003; gnomAD exomes 0.00004; ESP Exome Variant Server 0.00008; 1000 Genomes Project 30x 0.00016; 1000 Genomes Project 0.00020.
gnomAD v4.1: 58 of 1,614,090 alleles (0.0036%); highest among the groups gnomAD compares: East Asian, 0.0067%; 1 homozygote.

Submissions (2):

Labcorp Genetics (formerly Invitae), Labcorp
Classification: Likely benign. Last evaluated: 2026-01-26. Review status: criteria provided, single submitter. Criteria: Invitae Variant Classification Sherloc (09022015). Collection method: clinical testing. Allele origin: germline.

PreventionGenetics, part of Exact Sciences
Classification: Likely benign for FBLN1-related condition. Last evaluated: 2019-06-25. Review status: no assertion criteria provided. Collection method: clinical testing. Allele origin: germline. Not counted in ClinVar's aggregate classification.
Comment: This variant is classified as likely benign based on ACMG/AMP sequence variant interpretation guidelines (Richards et al. 2015 PMID: 25741868, with internal and published modifications).